The following is an entry in ClinVar:

NM_130839.5(UBE3A):c.1402del (p.Thr468fs)

Genes: SNHG14 (small nucleolar RNA host gene 14; plus strand), UBE3A (ubiquitin protein ligase E3A; minus strand). Cytogenetic location: 15q11.2.
Variant type: Deletion.
Coding change: c.1402del on transcript NM_130839.5 (MANE Select); coding-DNA position 1402, one base deleted (A; older notation c.1402delA).
Protein change: p.Thr468fs; shifts the reading frame from threonine 468.
Molecular consequence: frameshift variant. On other transcripts: non-coding transcript variant (1), intron variant (2).
Genome position (GRCh38, 1-based): chr15:25,370,772, T deleted on the plus strand (A on the coding strand, the reverse complement: UBE3A is on the minus strand); the first of 3 consecutive T bases (chr15:25,370,772-25,370,774); deleting any one gives the same sequence. VCF-style (leftmost placement, unchanged base first): chr15-25370771-GT-G. GRCh37 (hg19) VCF-style: chr15-25615918-GT-G.
Other names: c.1411del, p.Thr471fs (NM_000462.5); c.1402del, p.Thr468fs (NM_001354505.1, NM_001354538.2, NM_001354545.2); c.1342del, p.Thr448fs (NM_001354506.2, NM_001354507.2, NM_001354508.2 and 17 more transcripts); c.1225del, p.Thr409fs (NM_001354546.2); c.301+4693del (NM_001354551.2); c.361+4693del (NM_001354550.2); short protein forms T409fs, T468fs, T448fs, T471fs.
Identifiers: ClinVar variation 1032380 (VCV001032380.1), dbSNP rs2080191422, ClinGen allele CA2165174672.
Genomic context (GRCh38, chr15:25,370,771, plus strand): 5'-AAATTCTTTGTGACAGCATTCAATATAAAGGGACATGTCATAAAAGAGAATTTGTTCTCT[GT>G]TTCTACTTTGAAAAAAGTATAATCTTTATCCATTTCTAGAACCTCATTCAGTGGTTCATT-3'

ClinVar aggregate classification (germline): Pathogenic (1 of 4 stars; one submission).

Conditions:
Angelman syndrome (AS). Also called: HAPPY PUPPET SYNDROME. Identifiers: Orphanet 72, MedGen C0162635, MONDO:0007113, OMIM 105830. Disease mechanism: loss of function. Inheritance: AS is caused by disruption of maternally imprinted UBE3A located within the 15q11.2-q13 Angelman syndrome/Prader-Willi syndrome (AS/PWS) region., imprinting disorder.

Submission:

Baylor Genetics
Classification: Pathogenic for Angelman syndrome. Last evaluated: 2018-06-18. Review status: criteria provided, single submitter. Criteria: ACMG Guidelines, 2015. Collection method: clinical testing. Allele origin: unknown. Affected: yes.
Comment: This variant was determined to be pathogenic according to ACMG Guidelines, 2015 [PMID:25741868].